The following is an entry in ClinVar:

ClinVar aggregate classification (germline): Uncertain significance (1 of 4 stars; one submission).

Allele frequency attached by ClinVar (database versions not stated): gnomAD exomes below 0.00001; ExAC 0.00001.
gnomAD v4.1: 1 of 1,614,188 alleles (0.000062%); highest among the groups gnomAD compares: South Asian, 0.0011%; no homozygotes.

Submission:

Labcorp Genetics (formerly Invitae), Labcorp
Classification: Uncertain significance. Last evaluated: 2022-07-05. Review status: criteria provided, single submitter. Criteria: Invitae Variant Classification Sherloc (09022015). Collection method: clinical testing. Allele origin: germline.
Comment: This sequence change replaces valine, which is neutral and non-polar, with isoleucine, which is neutral and non-polar, at codon 949 of the CAD protein (p.Val949Ile). This variant is present in population databases (rs753804221, gnomAD 0.0009%). This variant has not been reported in the literature in individuals affected with CAD-related conditions. ClinVar contains an entry for this variant (Variation ID: 1345845). Algorithms developed to predict the effect of missense changes on protein structure and function are either unavailable or do not agree on the potential impact of this missense change (SIFT: "Deleterious"; PolyPhen-2: "Probably Damaging"; Align-GVGD: "Class C0"). In summary, the available evidence is currently insufficient to determine the role of this variant in disease. Therefore, it has been classified as a Variant of Uncertain Significance.

NM_004341.5(CAD):c.2845G>A (p.Val949Ile)

Genes: CAD (carbamoyl-phosphate synthetase 2, aspartate transcarbamylase, and dihydroorotase; plus strand), LOC126806171 (BRD4-independent group 4 enhancer GRCh37_chr2:27454350-27455549; plus strand). Cytogenetic location: 2p23.3.
Variant type: single nucleotide variant.
Coding change: c.2845G>A on transcript NM_004341.5 (MANE Select); coding-DNA position 2845, G replaced by A.
Protein change: p.Val949Ile; replaces valine 949 with isoleucine.
Molecular consequence: missense variant.
Genome position (GRCh38, 1-based): chr2:27,232,647, G>A. VCF-style: chr2-27232647-G-A. GRCh37 (hg19) VCF-style: chr2-27455515-G-A.
Other names: c.2656G>A, p.Val886Ile (NM_001306079.2); short protein forms V886I, V949I.
Identifiers: ClinVar variation 1345845 (VCV001345845.3), dbSNP rs753804221, ClinGen allele CA1573111.